The following is an entry in ClinVar:

NM_001122659.3(EDNRB):c.1150A>G (p.Ile384Val)

Genes: EDNRB-AS1 (EDNRB antisense RNA 1; plus strand), EDNRB (endothelin receptor type B; minus strand). Cytogenetic location: 13q22.3.
Variant type: single nucleotide variant.
Coding change: c.1150A>G on transcript NM_001122659.3 (MANE Select); coding-DNA position 1150, A replaced by G.
Protein change: p.Ile384Val; replaces isoleucine 384 with valine.
Molecular consequence: missense variant.
Genome position (GRCh38, 1-based): chr13:77,899,903, T>C on the plus strand (A>G on the coding strand, the complement: EDNRB is on the minus strand). VCF-style: chr13-77899903-T-C. GRCh37 (hg19) VCF-style: chr13-78474038-T-C.
Other names: c.1150A>G, p.Ile384Val (NM_000115.5, NM_003991.4); c.1420A>G, p.Ile474Val (NM_001201397.2); short protein forms I474V, I384V.
Identifiers: ClinVar variation 3020801 (VCV003020801.4), dbSNP rs567578805, ClinGen allele CA7012177.

ClinVar aggregate classification (germline): Uncertain significance. Review status: criteria provided, multiple submitters, no conflicts (2 of 4 stars). 2 submissions from 2 submitters: Uncertain significance (2). Last evaluated 2026-03-17.

Allele frequency attached by ClinVar (database versions not stated): TOPMed 0.00001; gnomAD 0.00002; gnomAD exomes 0.00003; ExAC 0.00008; 1000 Genomes Project 30x 0.00016; 1000 Genomes Project 0.00020.
gnomAD v4.1: 48 of 1,612,082 alleles (0.003%); highest among the groups gnomAD compares: South Asian, 0.043%; no homozygotes.

Submissions (2):

Women's Health and Genetics/Laboratory Corporation of America, LabCorp
Classification: Uncertain significance. Last evaluated: 2026-03-17. Review status: criteria provided, single submitter. Criteria: LabCorp Variant Classification Summary - May 2015. Collection method: clinical testing. Allele origin: germline.
Comment: Variant summary: EDNRB c.1150A>G (p.Ile384Val) results in a conservative amino acid change in the encoded protein sequence. Algorithms developed to predict the effect of missense changes on protein structure and function are either unavailable or do not agree on the potential impact of this missense change. The variant allele was found at a frequency of 5.2e-05 in 250168 control chromosomes. This frequency is not significantly higher than estimated for disease-causing variants in EDNRB, allowing no conclusion about variant significance. To our knowledge, no occurrence of c.1150A>G in individuals affected with EDNRB-related conditions and no experimental evidence demonstrating its impact on protein function have been reported. ClinVar contains an entry for this variant (Variation ID: 3020801). Based on the evidence outlined above, the variant was classified as uncertain significance.

Labcorp Genetics (formerly Invitae), Labcorp
Classification: Uncertain significance. Last evaluated: 2025-11-17. Review status: criteria provided, single submitter. Criteria: Invitae Variant Classification Sherloc (09022015). Collection method: clinical testing. Allele origin: germline.
Comment: This sequence change replaces isoleucine, which is neutral and non-polar, with valine, which is neutral and non-polar, at codon 384 of the EDNRB protein (p.Ile384Val). This variant is present in population databases (rs567578805, gnomAD 0.05%). This variant has not been reported in the literature in individuals affected with EDNRB-related conditions. ClinVar contains an entry for this variant (Variation ID: 3020801). Invitae Evidence Modeling of protein sequence and biophysical properties (such as structural, functional, and spatial information, amino acid conservation, physicochemical variation, residue mobility, and thermodynamic stability) indicates that this missense variant is not expected to disrupt EDNRB protein function with a negative predictive value of 80%. In summary, the available evidence is currently insufficient to determine the role of this variant in disease. Therefore, it has been classified as a Variant of Uncertain Significance.